The following is an entry in ClinVar:

ClinVar aggregate classification (germline): Pathogenic (1 of 4 stars; one submission).

Conditions:
Nemaline myopathy. Also called: Myopathies, Nemaline. Identifiers: Orphanet 607, MedGen C0206157, MONDO:0018958.

Submission:

Muscle and Diseases Team, Institut de Génétique et Biologie Moléculaire et Cellulaire
Classification: Pathogenic for Nemaline myopathy. Last evaluated: 2024-03-01. Review status: criteria provided, single submitter. Criteria: ACMG Guidelines, 2015. Collection method: research. Allele origin: paternal. Affected: yes. Observed: 1 variant allele.
Comment: PVS1+PS3+PM1+PM2+PP3+PP4

Literature cited by the submitters: DOI 10.1186/s13073-024-01353-0; PubMed 25205138; PubMed 23826317.

NM_001164508.2(NEB):c.5783_5784del (p.Tyr1928fs)

Gene: NEB (nebulin; minus strand). Cytogenetic location: 2q23.3.
Variant type: Deletion.
Coding change: c.5783_5784del on transcript NM_001164508.2 (MANE Select); coding-DNA positions 5783 to 5784, 2 bases deleted (AT; older notation c.5783_5784delAT).
Protein change: p.Tyr1928fs; shifts the reading frame from tyrosine 1928.
Molecular consequence: frameshift variant.
Genome position (GRCh38, 1-based): chr2:151,662,321-151,662,322, AT deleted on the plus strand (AT on the coding strand, the reverse complement: NEB is on the minus strand); deleting any 2 consecutive bases within chr2:151,662,321-151,662,323 gives the same sequence; the c. name uses the placement nearest the transcript's 3' end. VCF-style (leftmost placement, unchanged base first): chr2-151662320-CAT-C. GRCh37 (hg19) VCF-style: chr2-152518834-CAT-C.
Other names: c.5783_5784del, p.Tyr1928fs (NM_001164507.2, NM_001271208.2, NM_004543.5); short protein forms Y1928fs.
Identifiers: ClinVar variation 3233264 (VCV003233264.2), dbSNP rs2552255606.